The following is an entry in ClinVar:

NM_001386393.1(PANK2):c.604dup (p.Cys202fs)

Gene: PANK2 (pantothenate kinase 2; plus strand). Cytogenetic location: 20p13.
Variant type: Duplication.
Coding change: c.604dup on transcript NM_001386393.1 (MANE Select); coding-DNA position 604, one base duplicated (T; older notation c.604dupT).
Protein change: p.Cys202fs; shifts the reading frame from cysteine 202.
Molecular consequence: frameshift variant. On other transcripts: intron variant (1).
Genome position (GRCh38, 1-based): chr20:3,908,231, T duplicated; the last of 4 consecutive T bases (chr20:3,908,228-3,908,231); duplicating any one gives the same sequence. VCF-style (leftmost placement, unchanged base first): chr20-3908227-C-CT. GRCh37 (hg19) VCF-style: chr20-3888874-C-CT.
Other names: c.61dup, p.Cys21fs (NM_024960.6, NM_153640.4, NM_001324191.2); c.934dup, p.Cys312fs (NM_153638.4, NM_001324192.1); c.-328+96dup (NM_001324193.2); short protein forms C312fs, C202fs, C21fs.
Identifiers: ClinVar variation 2879639 (VCV002879639.3), dbSNP rs1568570002, ClinGen allele CA634197522.
Genomic context (GRCh38, chr20:3,908,227, plus strand): 5'-TGACATGCCTGCTTTTATTCAAATGGGCAGAGATAAAAACTTCTCGAGTCTCCACACTGT[C>CT]TTTTGTGCCACTGGAGGTGGAGCGTACAAATTTGAGCAGGATTTTCTCACAGTATGCATT-3'

ClinVar aggregate classification (germline): Pathogenic (1 of 4 stars; one submission).

Conditions:
Pigmentary pallidal degeneration (NBIA1). Also called: Neuroaxonal dystrophy, late infantile; Hallervorden-Spatz disease; Neurodegeneration with brain iron accumulation 1; HARP SYNDROME; PKAN NEUROAXONAL DYSTROPHY, JUVENILE-ONSET; Pantothenate Kinase-Associated Neurodegeneration. Identifiers: Orphanet 157850, MedGen C0018523, MONDO:0009319, OMIM 234200.

Submission:

Labcorp Genetics (formerly Invitae), Labcorp
Classification: Pathogenic for Pigmentary pallidal degeneration. Last evaluated: 2024-01-02. Review status: criteria provided, single submitter. Criteria: Invitae Variant Classification Sherloc (09022015). Collection method: clinical testing. Allele origin: germline.
Comment: This sequence change creates a premature translational stop signal (p.Cys312Leufs*11) in the PANK2 gene. It is expected to result in an absent or disrupted protein product. Loss-of-function variants in PANK2 are known to be pathogenic (PMID: 11479594, 12510040). This variant is present in population databases (no rsID available, gnomAD 0.0009%). This variant has not been reported in the literature in individuals affected with PANK2-related conditions. For these reasons, this variant has been classified as Pathogenic.

Literature cited by the submitters: PubMed 11479594; PubMed 12510040.